The following is an entry in ClinVar:

ClinVar aggregate classification (germline): Pathogenic (1 of 4 stars; one submission).

Conditions:
Rare anaemia.

Submission:

North West Genomic Laboratory Hub, Manchester University NHS Foundation Trust
Classification: Pathogenic for Rare anaemia. Last evaluated: 2024-11-28. Review status: criteria provided, single submitter. Criteria: ACGS Best Practice Guidelines for Variant Classification in Rare Disease 2024. Collection method: clinical testing. Allele origin: germline. Affected: yes.
Comment: PM2_Mod PVS1_VStr

NM_001355436.2(SPTB):c.3458_3461del (p.Leu1153fs)

Gene: SPTB (spectrin beta, erythrocytic; minus strand). Cytogenetic location: 14q23.3.
Variant type: Deletion.
Coding change: c.3458_3461del on transcript NM_001355436.2 (MANE Select); coding-DNA positions 3458 to 3461, 4 bases deleted (TGGG; older notation c.3458_3461delTGGG).
Protein change: p.Leu1153fs; shifts the reading frame from leucine 1153.
Molecular consequence: frameshift variant.
Genome position (GRCh38, 1-based): chr14:64,786,504-64,786,507, CCCA deleted on the plus strand (TGGG on the coding strand, the reverse complement: SPTB is on the minus strand). VCF-style (leftmost placement, unchanged base first): chr14-64786503-GCCCA-G. GRCh37 (hg19) VCF-style: chr14-65253221-GCCCA-G.
Other names: c.3458_3461del, p.Leu1153fs (NM_001024858.4, NM_001355437.2); short protein forms L1153fs.
Identifiers: ClinVar variation 4886885 (VCV004886885.1).